The following is an entry in ClinVar:

ClinVar aggregate classification (germline): Pathogenic/Likely pathogenic. Review status: criteria provided, multiple submitters, no conflicts (2 of 4 stars). 2 submissions from 2 submitters: Pathogenic (1); Likely pathogenic (1). Last evaluated 2024-04-29.

Conditions:
Autosomal recessive nonsyndromic hearing loss 77. Identifiers: Orphanet 90636, MedGen C2746083, MONDO:0013119, OMIM 613079.

Allele frequency attached by ClinVar (database versions not stated): gnomAD exomes below 0.00001.
gnomAD v4.1: 2 of 1,551,726 alleles (0.00013%); highest among the groups gnomAD compares: Non-Finnish European, 0.00017%; no homozygotes.

Submissions (2):

Fulgent Genetics
Classification: Likely pathogenic for Autosomal recessive nonsyndromic hearing loss 77. Last evaluated: 2024-04-29. Review status: criteria provided, single submitter. Criteria: ACMG Guidelines, 2015. Collection method: clinical testing. Allele origin: germline.

Labcorp Genetics (formerly Invitae), Labcorp
Classification: Pathogenic. Last evaluated: 2021-08-12. Review status: criteria provided, single submitter. Criteria: Invitae Variant Classification Sherloc (09022015). Collection method: clinical testing. Allele origin: germline.
Comment: This sequence change creates a premature translational stop signal (p.Glu1261*) in the LOXHD1 gene. It is expected to result in an absent or disrupted protein product. Loss-of-function variants in LOXHD1 are known to be pathogenic (PMID: 19732867, 21465660, 25792669). This variant is not present in population databases (ExAC no frequency). This variant has not been reported in the literature in individuals affected with LOXHD1-related conditions. For these reasons, this variant has been classified as Pathogenic.

Literature cited by the submitters: PubMed 19732867 (cited by Labcorp Genetics (formerly Invitae), Labcorp); PubMed 21465660 (cited by Labcorp Genetics (formerly Invitae), Labcorp); PubMed 25792669 (cited by Labcorp Genetics (formerly Invitae), Labcorp).

NM_001384474.1(LOXHD1):c.3781G>T (p.Glu1261Ter)

Gene: LOXHD1 (lipoxygenase homology PLAT domains 1; minus strand). Cytogenetic location: 18q21.1.
Variant type: single nucleotide variant.
Coding change: c.3781G>T on transcript NM_001384474.1 (MANE Select); coding-DNA position 3781, G replaced by T.
Protein change: p.Glu1261Ter; replaces glutamic acid 1261 with a stop codon.
Molecular consequence: nonsense.
Genome position (GRCh38, 1-based): chr18:46,541,908, C>A on the plus strand (G>T on the coding strand, the complement: LOXHD1 is on the minus strand). VCF-style: chr18-46541908-C-A. GRCh37 (hg19) VCF-style: chr18-44121871-C-A.
Other names: c.448G>T, p.Glu150Ter (NM_001145472.3); c.160G>T, p.Glu54Ter (NM_001308013.2); c.3781G>T, p.Glu1261Ter (NM_144612.7); c.3781G>T (NM_144612.6); short protein forms E150*, E54*, E1261*.
Identifiers: ClinVar variation 1441646 (VCV001441646.7), dbSNP rs2144361735, ClinGen allele CA402377661.